The following is an entry in ClinVar:

NM_016343.4(CENPF):c.8509G>A (p.Asp2837Asn)

Gene: CENPF (centromere protein F; plus strand). Cytogenetic location: 1q41.
Variant type: single nucleotide variant.
Coding change: c.8509G>A on transcript NM_016343.4 (MANE Select); coding-DNA position 8509, G replaced by A.
Protein change: p.Asp2837Asn; replaces aspartic acid 2837 with asparagine.
Molecular consequence: missense variant.
Genome position (GRCh38, 1-based): chr1:214,656,956, G>A. VCF-style: chr1-214656956-G-A. GRCh37 (hg19) VCF-style: chr1-214830299-G-A.
Other names: short protein forms D2837N.
Identifiers: ClinVar variation 1338139 (VCV001338139.4), dbSNP rs138734779, ClinGen allele CA1391449.

ClinVar aggregate classification (germline): Uncertain significance (1 of 4 stars; one submission).

Allele frequency attached by ClinVar (database versions not stated): ExAC 0.00001; gnomAD exomes 0.00001; ESP Exome Variant Server 0.00015.
gnomAD v4.1: 13 of 1,609,516 alleles (0.00081%); highest among the groups gnomAD compares: African/African-American, 0.0013%; no homozygotes.

Submission:

Genetic Services Laboratory, University of Chicago
Classification: Uncertain significance. Last evaluated: 2021-11-19. Review status: criteria provided, single submitter. Criteria: ACMG Guidelines, 2015. Collection method: clinical testing. Allele origin: germline. Affected: no.
Comment: DNA sequence analysis of the CENPF gene demonstrated a sequence change, c.8509G>A, in exon 18 that results in an amino acid change, p.Asp2837Asn. This sequence change has been described in the gnomAD database with a frequency of 0.003% in the non-Finnish European subpopulation (dbSNP rs138734779). The p.Asp2837Asn change affects a moderately conserved amino acid residue located in a domain of the CENPF protein that is not known to be functional. In-silico pathogenicity prediction tools (SIFT, PolyPhen2, Align GVGD, REVEL) provide contradictory results for the p.Asp2837Asn substitution. This sequence change does not appear to have been previously described in individuals with CENPF-related disorders. Due to insufficient evidences and the lack of functional studies, the clinical significance of the p.Asp2837Asn change remains unknown at this time